The following is an entry in ClinVar:

NM_001042492.3(NF1):c.2373C>A (p.Ile791=)

Gene: NF1 (neurofibromin 1; plus strand). Cytogenetic location: 17q11.2.
Variant type: single nucleotide variant.
Coding change: c.2373C>A on transcript NM_001042492.3 (MANE Select); coding-DNA position 2373, C replaced by A.
Protein change: p.Ile791=; no amino-acid change (isoleucine 791 retained).
Molecular consequence: synonymous variant.
Genome position (GRCh38, 1-based): chr17:31,227,570, C>A. VCF-style: chr17-31227570-C-A. GRCh37 (hg19) VCF-style: chr17-29554588-C-A.
Other names: c.2373C>A, p.Ile791= (NM_000267.4).
Identifiers: ClinVar variation 1585941 (VCV001585941.10), dbSNP rs1033227891, ClinGen allele CA289335506.

ClinVar aggregate classification (germline): Benign/Likely benign. Review status: criteria provided, multiple submitters, no conflicts (2 of 4 stars). 3 submissions from 3 submitters: Benign (1); Likely benign (2). Last evaluated 2026-05-18.

Conditions:
Hereditary cancer-predisposing syndrome. Also called: Neoplastic Syndromes, Hereditary; Tumor predisposition; Hereditary Cancer Syndrome; Hereditary neoplastic syndrome. Identifiers: Orphanet 140162, MedGen C0027672, MeSH D009386, MONDO:0015356.
Cardiovascular phenotype. Identifiers: MedGen CN230736.
Neurofibromatosis, type 1 (NF1). Also called: VON RECKLINGHAUSEN DISEASE; Neurofibromatosis, type I; NEUROFIBROMATOSIS, TYPE I, SOMATIC; Peripheral type neurofibromatosis. Identifiers: Orphanet 636, MedGen C0027831, MONDO:0018975, OMIM 162200. Disease mechanism: loss of function.

Allele frequency attached by ClinVar (database versions not stated): TOPMed below 0.00001.

Submissions (3):

Myriad Genetics, Inc.
Classification: Benign for Neurofibromatosis, type 1. Last evaluated: 2026-05-18. Review status: criteria provided, single submitter. Criteria: Myriad Autosomal Dominant, Autosomal Recessive and X-Linked Classification Criteria (2023). Collection method: clinical testing. Allele origin: unknown.
Comment: This variant is considered benign. This variant is a silent/synonymous amino acid change and it is not expected to impact splicing.

Labcorp Genetics (formerly Invitae), Labcorp
Classification: Likely benign for Neurofibromatosis, type 1. Last evaluated: 2025-11-13. Review status: criteria provided, single submitter. Criteria: Invitae Variant Classification Sherloc (09022015). Collection method: clinical testing. Allele origin: germline.

Ambry Genetics
Classification: Likely benign for Cardiovascular phenotype; Hereditary cancer-predisposing syndrome. Last evaluated: 2023-07-09. Review status: criteria provided, single submitter. Criteria: Ambry Variant Classification Scheme 2023. Collection method: clinical testing. Allele origin: germline.